The following is an entry in ClinVar:

NM_022042.4(SLC26A1):c.589G>A (p.Val197Ile)

Genes: IDUA (alpha-L-iduronidase; plus strand), SLC26A1 (solute carrier family 26 member 1; minus strand). Cytogenetic location: 4p16.3.
Variant type: single nucleotide variant.
Coding change: c.589G>A on transcript NM_022042.4 (MANE Select); coding-DNA position 589, G replaced by A.
Protein change: p.Val197Ile; replaces valine 197 with isoleucine.
Molecular consequence: missense variant. On other transcripts: intron variant (2).
Genome position (GRCh38, 1-based): chr4:990,350, C>T on the plus strand (G>A on the coding strand, the complement: SLC26A1 is on the minus strand). VCF-style: chr4-990350-C-T. GRCh37 (hg19) VCF-style: chr4-984138-C-T.
Other names: c.589G>A, p.Val197Ile (NM_213613.4); c.576+778G>A (NM_134425.4); c.299+2401C>T (NM_000203.5); short protein forms V197I.
Identifiers: ClinVar variation 2720835 (VCV002720835.4), dbSNP rs748877758, ClinGen allele CA2801600.

ClinVar aggregate classification (germline): Conflicting classifications of pathogenicity. Review status: criteria provided, conflicting classifications (1 of 4 stars). 2 submissions from 2 submitters: Uncertain significance (1); Likely benign (1). Last evaluated 2024-04-08.

Conditions:
Inborn genetic diseases. Identifiers: MedGen C0950123, MeSH D030342.

Allele frequency attached by ClinVar (database versions not stated): gnomAD 0.00006; TOPMed 0.00007; ExAC 0.00012; gnomAD exomes 0.00027.
gnomAD v4.1: 389 of 1,599,900 alleles (0.024%); highest among the groups gnomAD compares: Non-Finnish European, 0.032%; 1 homozygote.

Submissions (2):

Ambry Genetics
Classification: Likely benign for Inborn genetic diseases. Last evaluated: 2024-04-08. Review status: criteria provided, single submitter. Criteria: Ambry Variant Classification Scheme 2023. Collection method: clinical testing. Allele origin: germline.

Labcorp Genetics (formerly Invitae), Labcorp
Classification: Uncertain significance. Last evaluated: 2023-06-29. Review status: criteria provided, single submitter. Criteria: Invitae Variant Classification Sherloc (09022015). Collection method: clinical testing. Allele origin: germline.
Comment: The frequency data for this variant in the population databases is considered unreliable, as metrics indicate poor data quality at this position in the gnomAD database. In summary, the available evidence is currently insufficient to determine the role of this variant in disease. Therefore, it has been classified as a Variant of Uncertain Significance. Advanced modeling of protein sequence and biophysical properties (such as structural, functional, and spatial information, amino acid conservation, physicochemical variation, residue mobility, and thermodynamic stability) performed at Invitae indicates that this missense variant is not expected to disrupt SLC26A1 protein function. This variant has not been reported in the literature in individuals affected with SLC26A1-related conditions. This sequence change replaces valine, which is neutral and non-polar, with isoleucine, which is neutral and non-polar, at codon 197 of the SLC26A1 protein (p.Val197Ile).